The following is an entry in ClinVar:

ClinVar aggregate classification (germline): Pathogenic (1 of 4 stars; one submission).

Submission:

ISCA site 4
Classification: Pathogenic. Last evaluated: 2011-08-12. Review status: criteria provided, single submitter. Criteria: Kaminsky et al. (Genet Med. 2011). Collection method: clinical testing. Allele origin: paternal. Affected: yes. Observed: 1 variant allele.
Comment: Copy number variation identified through the course of routine clinical cytogenomic testing in postnatal populations. Clinical assertions have been curated as described in Kaminsky et al. 2011.

GRCh38/hg38 16p13.11-12.3(chr16:15140576-18658403)x1

Genes: ABCC1 (ATP binding cassette subfamily C member 1 (ABCC1 blood group); plus strand), ABCC6 (ATP binding cassette subfamily C member 6; minus strand), BMERB1 (bMERB domain containing 1; plus strand), CEP20 (centrosomal protein 20; minus strand), MARF1 (meiosis regulator and mRNA stability factor 1; minus strand) and 76 more. Cytogenetic location: 16p13.11-12.3.
Variant type: copy number loss.
Change: copy number 1 (one copy instead of two) of chr16:15,140,576-18,658,403 (3.52 Mb, GRCh38 coordinates, 1-based), cytogenetic band 16p13.11-12.3.
Identifiers: ClinVar variation 57368 (VCV000057368.1).